The following is an entry in ClinVar:

NM_001379500.1(COL18A1):c.2124C>T (p.Pro708=)

Gene: COL18A1 (collagen type XVIII alpha 1 chain; plus strand). Cytogenetic location: 21q22.3.
Variant type: single nucleotide variant.
Coding change: c.2124C>T on transcript NM_001379500.1 (MANE Select); coding-DNA position 2124, C replaced by T.
Protein change: p.Pro708=; no amino-acid change (proline 708 retained).
Molecular consequence: synonymous variant.
Genome position (GRCh38, 1-based): chr21:45,491,281, C>T. VCF-style: chr21-45491281-C-T. GRCh37 (hg19) VCF-style: chr21-46911195-C-T.
Other names: c.2664C>T (NM_030582.3); c.2664C>T, p.Pro888= (NM_030582.4); c.3369C>T, p.Pro1123= (NM_130444.3).
Identifiers: ClinVar variation 1455368 (VCV001455368.9), dbSNP rs773100891, ClinGen allele CA10066819.
Genomic context (GRCh38, chr21:45,491,281, plus strand): 5'-CCAGGGAGATCCAGGGAAGGACGGAGTCGGGCAGCCGGGCCTCCCTGGCCCCCCCGGACC[C>T]CCGGGACCTGTGGTCTACGTGTCGGAGCAGGACGTAAGGACGCTGCGTGGGTGGGCACCC-3'
Protein context (NP_001366429.1, residues 698-718): GQPGLPGPPG[Pro708=]PGPVVYVSEQ

ClinVar aggregate classification (germline): Likely benign. Review status: criteria provided, multiple submitters, no conflicts (2 of 4 stars). 2 submissions from 2 submitters: Likely benign (2). Last evaluated 2026-03-10.

Conditions:
COL18A1-related disorder. Also called: COL18A1-related condition; COL18A1-related disorders.

Allele frequency attached by ClinVar (database versions not stated): gnomAD exomes 0.00002 and 0.00007; TOPMed 0.00003; ExAC 0.00007.
gnomAD v4.1: 23 of 1,612,344 alleles (0.0014%); highest among the groups gnomAD compares: Admixed American, 0.025%; no homozygotes.

Submissions (2):

PreventionGenetics, part of Exact Sciences
Classification: Likely benign for COL18A1-related condition. Last evaluated: 2026-03-10. Review status: criteria provided, single submitter. Criteria: ACMG Guidelines, 2015. Collection method: clinical testing. Allele origin: germline.
Comment: This variant is classified as likely benign based on ACMG/AMP sequence variant interpretation guidelines (Richards et al. 2015 PMID: 25741868, with internal and published modifications).

Labcorp Genetics (formerly Invitae), Labcorp
Classification: Likely benign. Last evaluated: 2024-02-23. Review status: criteria provided, single submitter. Criteria: Invitae Variant Classification Sherloc (09022015). Collection method: clinical testing. Allele origin: germline.